The following is an entry in ClinVar:

ClinVar aggregate classification (germline): Pathogenic/Likely pathogenic. Review status: criteria provided, multiple submitters, no conflicts (2 of 4 stars). 5 submissions from 5 submitters: Pathogenic (2); Likely pathogenic (2). 1 of the submissions does not count toward it. Last evaluated 2026-09-26.

Conditions:
Glycogen storage disease, type V (GSD5). Also called: MCARDLE DISEASE; MUSCLE GLYCOGEN PHOSPHORYLASE DEFICIENCY; MYOPHOSPHORYLASE DEFICIENCY; PYGM DEFICIENCY; McArdle type glycogen storage disease. Identifiers: Orphanet 368, MedGen C0017924, MONDO:0009293, OMIM 232600.

Allele frequency attached by ClinVar (database versions not stated): gnomAD exomes below 0.00001; TOPMed below 0.00001; ExAC 0.00001.
gnomAD v4.1: 6 of 1,613,650 alleles (0.00037%); highest among the groups gnomAD compares: Non-Finnish European, 0.00051%; no homozygotes.

Submissions (5):

GeneDx
Classification: Likely pathogenic. Last evaluated: 2026-09-26. Review status: criteria provided, single submitter. Criteria: GeneDx Variant Classification Process June 2021. Collection method: clinical testing. Allele origin: germline.
Comment: Identified with a pathogenic variant, phase unknown, in a patient with McArdle disease in published literature (PMID: 34534370); Canonical splice site variant predicted to result in a null allele in a gene for which loss of function is a known mechanism of disease; Not observed at significant frequency in large population cohorts (gnomAD); This variant is associated with the following publications: (PMID: 34534370)

Natera, Inc.
Classification: Pathogenic for Glycogen storage disease V. Last evaluated: 2025-03-24. Review status: criteria provided, single submitter. Criteria: Natera Variant Classification Schema (03/2026). Collection method: clinical testing. Allele origin: germline.
Comment: The c.425-2A>G variant in PYGM is a canonical splice acceptor site variant predicted to affect pre-mRNA splicing, which may result in an abnormal transcript and altered protein product. This variant is expected to result in nonsense mediated decay, truncation, or a dysfunctional protein product. This variant is rare in the general population with a frequency below the threshold expected for the associated phenotype(s). This variant has been observed in one or more individuals affected with the associated recessive disease, as either homozygous or compound heterozygous with a second variant (PMID: 34534370). Given the available evidence, this variant is classified as Pathogenic.

Baylor Genetics
Classification: Pathogenic for Glycogen storage disease, type V. Last evaluated: 2024-01-23. Review status: criteria provided, single submitter. Criteria: ACMG Guidelines, 2015. Collection method: clinical testing. Allele origin: unknown.

Labcorp Genetics (formerly Invitae), Labcorp
Classification: Likely pathogenic for Glycogen storage disease, type V. Last evaluated: 2021-01-05. Review status: criteria provided, single submitter. Criteria: Invitae Variant Classification Sherloc (09022015). Collection method: clinical testing. Allele origin: germline.
Comment: In summary, the currently available evidence indicates that the variant is pathogenic, but additional data are needed to prove that conclusively. Therefore, this variant has been classified as Likely Pathogenic. Donor and acceptor splice site variants typically lead to a loss of protein function (PMID: 16199547), and loss-of-function variants in PYGM are known to be pathogenic (PMID: 8316268, 16786513). Algorithms developed to predict the effect of sequence changes on RNA splicing suggest that this variant may disrupt the consensus splice site, but this prediction has not been confirmed by published transcriptional studies. This variant has not been reported in the literature in individuals with PYGM-related disease. ClinVar contains an entry for this variant (Variation ID: 370481). This variant is present in population databases (rs752851284, ExAC 0.002%). This sequence change affects an acceptor splice site in intron 3 of the PYGM gene. It is expected to disrupt RNA splicing and likely results in an absent or disrupted protein product.

Counsyl
Classification: Likely pathogenic for Glycogen storage disease, type V. Last evaluated: 2016-02-16. Review status: no assertion criteria provided. Collection method: clinical testing. Allele origin: unknown. Not counted in ClinVar's aggregate classification.

Literature cited by the submitters: PubMed 34534370 (cited by Natera, Inc.); PubMed 16199547 (cited by Labcorp Genetics (formerly Invitae), Labcorp); PubMed 8316268 (cited by Labcorp Genetics (formerly Invitae), Labcorp); PubMed 16786513 (cited by Labcorp Genetics (formerly Invitae), Labcorp).

NM_005609.4(PYGM):c.425-2A>G

Gene: PYGM (glycogen phosphorylase, muscle associated; minus strand). Cytogenetic location: 11q13.1.
Variant type: single nucleotide variant.
Coding change: c.425-2A>G on transcript NM_005609.4 (MANE Select); the canonical splice acceptor site of the intron before coding-DNA position 425, A replaced by G.
Molecular consequence: splice acceptor variant. On other transcripts: intron variant (1).
Genome position (GRCh38, 1-based): chr11:64,758,351, T>C on the plus strand (A>G on the coding strand, the complement: PYGM is on the minus strand). VCF-style: chr11-64758351-T-C. GRCh37 (hg19) VCF-style: chr11-64525823-T-C.
Other names: c.244-85A>G (NM_001164716.1).
Identifiers: ClinVar variation 370481 (VCV000370481.19), dbSNP rs752851284, ClinGen allele CA6080246.